The following is an entry in ClinVar:

ClinVar aggregate classification (germline): Likely benign. Review status: criteria provided, multiple submitters, no conflicts (2 of 4 stars). 2 submissions from 2 submitters: Likely benign (2). Last evaluated 2025-06-25.

Conditions:
QARS1-related disorder. Also called: QARS1-related condition.
Diffuse cerebral and cerebellar atrophy - intractable seizures - progressive microcephaly syndrome. Also called: Microcephaly, progressive, with seizures and cerebral and cerebellar atrophy. Identifiers: Orphanet 404437, MedGen C4014239, MONDO:0014335, OMIM 615760.

Allele frequency attached by ClinVar (database versions not stated): gnomAD exomes below 0.00001; ExAC 0.00001; gnomAD 0.00001; TOPMed 0.00002.
gnomAD v4.1: 14 of 1,614,118 alleles (0.00087%); highest among the groups gnomAD compares: South Asian, 0.0099%; no homozygotes.

Submissions (2):

PreventionGenetics, part of Exact Sciences
Classification: Likely benign for QARS1-related condition. Last evaluated: 2025-06-25. Review status: criteria provided, single submitter. Criteria: ACMG Guidelines, 2015. Collection method: clinical testing. Allele origin: germline.
Comment: This variant is classified as likely benign based on ACMG/AMP sequence variant interpretation guidelines (Richards et al. 2015 PMID: 25741868, with internal and published modifications).

Labcorp Genetics (formerly Invitae), Labcorp
Classification: Likely benign for Diffuse cerebral and cerebellar atrophy - intractable seizures - progressive microcephaly syndrome. Last evaluated: 2025-05-12. Review status: criteria provided, single submitter. Criteria: Invitae Variant Classification Sherloc (09022015). Collection method: clinical testing. Allele origin: germline.

NM_005051.3(QARS1):c.1002T>C (p.Tyr334=)

Gene: QARS1 (glutaminyl-tRNA synthetase 1; minus strand). Cytogenetic location: 3p21.31.
Variant type: single nucleotide variant.
Coding change: c.1002T>C on transcript NM_005051.3 (MANE Select); coding-DNA position 1002, T replaced by C.
Protein change: p.Tyr334=; no amino-acid change (tyrosine 334 retained).
Molecular consequence: synonymous variant. On other transcripts: non-coding transcript variant (1).
Genome position (GRCh38, 1-based): chr3:49,100,433, A>G on the plus strand (T>C on the coding strand, the complement: QARS1 is on the minus strand). VCF-style: chr3-49100433-A-G. GRCh37 (hg19) VCF-style: chr3-49137866-A-G.
Other names: c.969T>C, p.Tyr323= (NM_001272073.2); c.1002T>C (NM_005051.2).
Identifiers: ClinVar variation 1156583 (VCV001156583.8), dbSNP rs778288296, ClinGen allele CA2391917.